The following is an entry in ClinVar:

NM_001904.4(CTNNB1):c.937-2A>G

Gene: CTNNB1 (catenin beta 1; plus strand). Cytogenetic location: 3p22.1.
Variant type: single nucleotide variant.
Coding change: c.937-2A>G on transcript NM_001904.4 (MANE Select); the canonical splice acceptor site of the intron before coding-DNA position 937, A replaced by G.
Molecular consequence: splice acceptor variant.
Genome position (GRCh38, 1-based): chr3:41,227,206, A>G. VCF-style: chr3-41227206-A-G. GRCh37 (hg19) VCF-style: chr3-41268697-A-G.
Other names: c.916-2A>G (NM_001330729.2); c.937-2A>G (NM_001098209.2, NM_001098210.2).
Identifiers: ClinVar variation 449750 (VCV000449750.2), dbSNP rs1553630789, ClinGen allele CA352231223.

ClinVar aggregate classification (germline): Pathogenic (1 of 4 stars; one submission).

Submission:

GeneDx
Classification: Pathogenic. Last evaluated: 2016-05-26. Review status: criteria provided, single submitter. Criteria: GeneDx Variant Classification (06012015). Collection method: clinical testing. Allele origin: germline. Affected: yes.
Comment: The c.937-2A>G pathogenic variant in the CTNNB1 gene has not been reported previously as a pathogenic variant nor as a benign variant, to our knowledge. This splice site variant destroys the canonical splice acceptor site in intron 6. It is predicted to cause abnormal gene splicing, either leading to an abnormal message that is subject to nonsense-mediated mRNA decay, or to an abnormal protein product if the message is used for protein translation. The c.937-2A>G variant was not observed in approximately 6500 individuals of European and African American ancestry in the NHLBI Exome Sequencing Project, indicating it is not a common benign variant in these populations. We interpret c.937-2A>G as a pathogenic variant.